The following is an entry in ClinVar:

NM_001440.4(EXTL3):c.1073A>T (p.Gln358Leu)

Gene: EXTL3 (exostosin like glycosyltransferase 3; plus strand). Cytogenetic location: 8p21.1.
Variant type: single nucleotide variant.
Coding change: c.1073A>T on transcript NM_001440.4 (MANE Select); coding-DNA position 1073, A replaced by T.
Protein change: p.Gln358Leu; replaces glutamine 358 with leucine.
Molecular consequence: missense variant.
Genome position (GRCh38, 1-based): chr8:28,717,132, A>T. VCF-style: chr8-28717132-A-T. GRCh37 (hg19) VCF-style: chr8-28574649-A-T.
Other names: c.1073A>T (NM_001440.2); short protein forms Q358L.
Identifiers: ClinVar variation 2170055 (VCV002170055.3), dbSNP rs764259950, ClinGen allele CA4696128.

ClinVar aggregate classification (germline): Uncertain significance. Review status: criteria provided, multiple submitters, no conflicts (2 of 4 stars). 2 submissions from 2 submitters: Uncertain significance (2). Last evaluated 2025-08-13.

Conditions:
Inborn genetic diseases. Identifiers: MedGen C0950123, MeSH D030342.

Allele frequency attached by ClinVar (database versions not stated): gnomAD 0.00001; gnomAD exomes 0.00004; TOPMed 0.00005; ExAC 0.00006.
gnomAD v4.1: 24 of 1,614,130 alleles (0.0015%); highest among the groups gnomAD compares: Admixed American, 0.04%; no homozygotes.

Submissions (2):

Ambry Genetics
Classification: Uncertain significance for Inborn genetic diseases. Last evaluated: 2025-08-13. Review status: criteria provided, single submitter. Criteria: Ambry Variant Classification Scheme 2023. Collection method: clinical testing. Allele origin: germline.

Labcorp Genetics (formerly Invitae), Labcorp
Classification: Uncertain significance. Last evaluated: 2022-04-01. Review status: criteria provided, single submitter. Criteria: Invitae Variant Classification Sherloc (09022015). Collection method: clinical testing. Allele origin: germline.
Comment: This sequence change replaces glutamine, which is neutral and polar, with leucine, which is neutral and non-polar, at codon 358 of the EXTL3 protein (p.Gln358Leu). This variant is present in population databases (rs764259950, gnomAD 0.05%). This variant has not been reported in the literature in individuals affected with EXTL3-related conditions. Algorithms developed to predict the effect of missense changes on protein structure and function (SIFT, PolyPhen-2, Align-GVGD) all suggest that this variant is likely to be tolerated. In summary, the available evidence is currently insufficient to determine the role of this variant in disease. Therefore, it has been classified as a Variant of Uncertain Significance.